The following is an entry in ClinVar:

NM_000384.3(APOB):c.1871T>C (p.Leu624Pro)

Gene: APOB (apolipoprotein B; minus strand). Cytogenetic location: 2p24.1.
Variant type: single nucleotide variant.
Coding change: c.1871T>C on transcript NM_000384.3 (MANE Select); coding-DNA position 1871, T replaced by C.
Protein change: p.Leu624Pro; replaces leucine 624 with proline.
Molecular consequence: missense variant.
Genome position (GRCh38, 1-based): chr2:21,028,024, A>G on the plus strand (T>C on the coding strand, the complement: APOB is on the minus strand). VCF-style: chr2-21028024-A-G. GRCh37 (hg19) VCF-style: chr2-21250896-A-G.
Other names: short protein forms L624P.
Identifiers: ClinVar variation 5027037 (VCV005027037.1), dbSNP rs1663780514.
Genomic context (GRCh38, chr2:21,028,024, plus strand): 5'-GAAACAGATTTGTAGAGTTGATAGTTCCGAGAGAATTTTCTGAAGTCCATGACAGTTGGA[A>G]GTTGAGATTCTTTCAGAGCTTCTTTCACTAACTTTTTCAGACTAGATAAGAAGAAGTATA-3'
Protein context (NP_000375.3, residues 614-634): LVKEALKESQ[Leu624Pro]PTVMDFRKFS

ClinVar aggregate classification (germline): Uncertain significance (1 of 4 stars; one submission).

Conditions:
Cardiovascular phenotype. Identifiers: MedGen CN230736.

gnomAD v4.1: 2 of 1,613,942 alleles (0.00012%); highest among the groups gnomAD compares: Non-Finnish European, 0.00017%; no homozygotes.

Submission:

Ambry Genetics
Classification: Uncertain significance for Cardiovascular phenotype. Last evaluated: 2026-07-01. Review status: criteria provided, single submitter. Criteria: Ambry Variant Classification Scheme 2023. Collection method: clinical testing. Allele origin: germline.
Comment: The p.L624P variant (also known as c.1871T>C), located in coding exon 14 of the APOB gene, results from a T to C substitution at nucleotide position 1871. The leucine at codon 624 is replaced by proline, an amino acid with similar properties. This amino acid position is conserved. In addition, this alteration is predicted to be tolerated by in silico analysis. Based on the available evidence, the clinical significance of this variant remains unclear.